The following is an entry in ClinVar:

ClinVar aggregate classification (germline): Benign/Likely benign. Review status: criteria provided, multiple submitters, no conflicts (2 of 4 stars). 3 submissions from 3 submitters: Benign (1); Likely benign (1). 1 of the submissions does not count toward it. Last evaluated 2025-12-21.

Conditions:
Infantile-onset X-linked spinal muscular atrophy. Also called: Spinal Muscular Atrophy, X-Linked Infantile; Spinal muscular atrophy, X-linked 2; SPINAL MUSCULAR ATROPHY, X-LINKED LETHAL INFANTILE; AMC, DISTAL, X-LINKED; ARTHROGRYPOSIS, X-LINKED, TYPE I. Identifiers: Orphanet 1145, MedGen C1844934, MONDO:0010532, OMIM 301830.
Inborn genetic diseases. Identifiers: MedGen C0950123, MeSH D030342.
UBA1-related disorder. Also called: UBA1-related condition.

Allele frequency attached by ClinVar (database versions not stated): gnomAD exomes 0.00001 and 0.00003; ExAC 0.00003; TOPMed 0.00005; gnomAD 0.00006 and 0.00008; ESP Exome Variant Server 0.00009.
gnomAD v4.1: 24 of 1,208,189 alleles (0.002%); highest among the groups gnomAD compares: African/African-American, 0.0035%; no homozygotes.

Submissions (3):

Labcorp Genetics (formerly Invitae), Labcorp
Classification: Benign for Infantile-onset X-linked spinal muscular atrophy. Last evaluated: 2025-12-21. Review status: criteria provided, single submitter. Criteria: Invitae Variant Classification Sherloc (09022015). Collection method: clinical testing. Allele origin: germline.

Ambry Genetics
Classification: Likely benign for Inborn genetic diseases. Last evaluated: 2022-03-11. Review status: criteria provided, single submitter. Criteria: Ambry Variant Classification Scheme 2023. Collection method: clinical testing. Allele origin: germline.

PreventionGenetics, part of Exact Sciences
Classification: Likely benign for UBA1-related condition. Last evaluated: 2024-02-23. Review status: no assertion criteria provided. Collection method: clinical testing. Allele origin: germline. Not counted in ClinVar's aggregate classification.
Comment: This variant is classified as likely benign based on ACMG/AMP sequence variant interpretation guidelines (Richards et al. 2015 PMID: 25741868, with internal and published modifications).

NM_003334.4(UBA1):c.2449G>A (p.Ala817Thr)

Gene: UBA1 (ubiquitin like modifier activating enzyme 1; plus strand). Cytogenetic location: Xp11.3.
Variant type: single nucleotide variant.
Coding change: c.2449G>A on transcript NM_003334.4 (MANE Select); coding-DNA position 2449, G replaced by A.
Protein change: p.Ala817Thr; replaces alanine 817 with threonine.
Molecular consequence: missense variant.
Genome position (GRCh38, 1-based): chrX:47,211,210, G>A. VCF-style: chrX-47211210-G-A. GRCh37 (hg19) VCF-style: chrX-47070609-G-A.
Other names: c.2449G>A (NM_003334.3); c.2449G>A, p.Ala817Thr (NM_153280.3); short protein forms A817T.
Identifiers: ClinVar variation 1166511 (VCV001166511.12), dbSNP rs371005753, ClinGen allele CA10396118.